The following is an entry in ClinVar:

ClinVar aggregate classification (germline): Uncertain significance (1 of 4 stars; one submission).

Conditions:
Cardiovascular phenotype. Identifiers: MedGen CN230736.

Submission:

Ambry Genetics
Classification: Uncertain significance for Cardiovascular phenotype. Last evaluated: 2020-01-31. Review status: criteria provided, single submitter. Criteria: Ambry Variant Classification Scheme 2023. Collection method: clinical testing. Allele origin: germline.
Comment: The p.N14S variant (also known as c.41A>G), located in coding exon 2 of the MYL2 gene, results from an A to G substitution at nucleotide position 41. The asparagine at codon 14 is replaced by serine, an amino acid with highly similar properties. This amino acid position is well conserved in available vertebrate species; however, serine is the reference amino acid in other vertebrate species. In addition, this alteration is predicted to be tolerated by in silico analysis. Since supporting evidence is limited at this time, the clinical significance of this alteration remains unclear.

NM_000432.4(MYL2):c.41A>G (p.Asn14Ser)

Genes: MYL2 (myosin light chain 2; minus strand), LOC114827850 (VISTA enhancer hs2149; plus strand). Cytogenetic location: 12q24.11.
Variant type: single nucleotide variant.
Coding change: c.41A>G on transcript NM_000432.4 (MANE Select); coding-DNA position 41, A replaced by G.
Protein change: p.Asn14Ser; replaces asparagine 14 with serine.
Molecular consequence: missense variant.
Genome position (GRCh38, 1-based): chr12:110,919,156, T>C on the plus strand (A>G on the coding strand, the complement: MYL2 is on the minus strand). VCF-style: chr12-110919156-T-C. GRCh37 (hg19) VCF-style: chr12-111356960-T-C.
Other names: c.41A>G, p.Asn14Ser (NM_001406745.1, NM_001406746.1); c.-17A>G (NM_001406916.1); short protein forms N14S.
Identifiers: ClinVar variation 1738636 (VCV001738636.2), dbSNP rs2071704259, ClinGen allele CA386700303.